The following is an entry in ClinVar:

ClinVar aggregate classification (germline): Uncertain significance. Review status: criteria provided, multiple submitters, no conflicts (2 of 4 stars). 2 submissions from 2 submitters: Uncertain significance (2). Last evaluated 2025-06-18.

Conditions:
Hereditary cancer-predisposing syndrome. Also called: Hereditary neoplastic syndrome; Neoplastic Syndromes, Hereditary; Tumor predisposition; Hereditary Cancer Syndrome. Identifiers: Orphanet 140162, MedGen C0027672, MeSH D009386, MONDO:0015356.
Hereditary diffuse gastric adenocarcinoma (HDGC). Also called: DIFFUSE GASTRIC AND LOBULAR BREAST CANCER SYNDROME. Identifiers: Orphanet 26106, MedGen C1708349, MONDO:0007648, OMIM 137215.

Submissions (2):

Ambry Genetics
Classification: Uncertain significance for Hereditary cancer-predisposing syndrome. Last evaluated: 2025-06-18. Review status: criteria provided, single submitter. Criteria: Ambry Variant Classification Scheme 2023. Collection method: clinical testing. Allele origin: germline.
Comment: The p.D874H variant (also known as c.2620G>C), located in coding exon 16 of the CDH1 gene, results from a G to C substitution at nucleotide position 2620. The aspartic acid at codon 874 is replaced by histidine, an amino acid with similar properties. This amino acid position is well conserved in available vertebrate species. In addition, the in silico prediction for this alteration is inconclusive. Based on the available evidence, the clinical significance of this variant remains unclear.

Labcorp Genetics (formerly Invitae), Labcorp
Classification: Uncertain significance for Hereditary diffuse gastric adenocarcinoma. Last evaluated: 2017-04-11. Review status: criteria provided, single submitter. Criteria: Invitae Variant Classification Sherloc (09022015). Collection method: clinical testing. Allele origin: germline.
Comment: In summary, this variant is a novel missense change with uncertain impact on protein function. It has been classified as a Variant of Uncertain Significance. Algorithms developed to predict the effect of missense changes on protein structure and function do not agree on the potential impact of this missense change (SIFT: "Deleterious"; PolyPhen-2: "Probably Damaging"; Align-GVGD: "Class C0"). This variant is not present in population databases (ExAC no frequency) and has not been reported in the literature in individuals with a CDH1-related disease. This sequence change replaces aspartic acid with histidine at codon 874 of the CDH1 protein (p.Asp874His). The aspartic acid residue is moderately conserved and there is a moderate physicochemical difference between aspartic acid and histidine.

NM_004360.5(CDH1):c.2620G>C (p.Asp874His)

Gene: CDH1 (cadherin 1; plus strand). Cytogenetic location: 16q22.1.
Variant type: single nucleotide variant.
Coding change: c.2620G>C on transcript NM_004360.5 (MANE Select); coding-DNA position 2620, G replaced by C.
Protein change: p.Asp874His; replaces aspartic acid 874 with histidine.
Molecular consequence: missense variant.
Genome position (GRCh38, 1-based): chr16:68,833,470, G>C. VCF-style: chr16-68833470-G-C. GRCh37 (hg19) VCF-style: chr16-68867373-G-C.
Other names: c.2620G>C (LRG_301t1); c.2437G>C, p.Asp813His (NM_001317184.2); c.1072G>C, p.Asp358His (NM_001317185.2); c.655G>C, p.Asp219His (NM_001317186.2); short protein forms D874H, D219H, D358H, D813H.
Identifiers: ClinVar variation 463773 (VCV000463773.10), dbSNP rs1555518283, ClinGen allele CA396472782.
Genomic context (GRCh38, chr16:68,833,470, plus strand): 5'-GACAAAGACCAGGACTATGACTACTTGAACGAATGGGGCAATCGCTTCAAGAAGCTGGCT[G>C]ACATGTACGGAGGCGGCGAGGACGACTAGGGGACTCGAGAGAGGCGGGCCCCAGACCCAT-3'
Protein context (NP_004351.1, residues 864-882): EWGNRFKKLA[Asp874His]MYGGGEDD